The following is an entry in ClinVar:

ClinVar aggregate classification (germline): Uncertain significance (1 of 4 stars; one submission).

Submission:

Labcorp Genetics (formerly Invitae), Labcorp
Classification: Uncertain significance. Last evaluated: 2023-11-10. Review status: criteria provided, single submitter. Criteria: Invitae Variant Classification Sherloc (09022015). Collection method: clinical testing. Allele origin: germline.
Comment: This sequence change creates a premature translational stop signal (p.Glu17*) in the FOXA2 gene. While this is not anticipated to result in nonsense mediated decay, it is expected to disrupt the last 447 amino acid(s) of the FOXA2 protein. This variant is not present in population databases (gnomAD no frequency). This variant has not been reported in the literature in individuals affected with FOXA2-related conditions. ClinVar contains an entry for this variant (Variation ID: 1899578). In summary, the available evidence is currently insufficient to determine the role of this variant in disease. Therefore, it has been classified as a Variant of Uncertain Significance.

NM_021784.5(FOXA2):c.49G>T (p.Glu17Ter)

Gene: FOXA2 (forkhead box A2; minus strand). Cytogenetic location: 20p11.21.
Variant type: single nucleotide variant.
Coding change: c.49G>T on transcript NM_021784.5 (MANE Select); coding-DNA position 49, G replaced by T.
Protein change: p.Glu17Ter; replaces glutamic acid 17 with a stop codon.
Molecular consequence: nonsense.
Genome position (GRCh38, 1-based): chr20:22,584,230, C>A on the plus strand (G>T on the coding strand, the complement: FOXA2 is on the minus strand). VCF-style: chr20-22584230-C-A. GRCh37 (hg19) VCF-style: chr20-22564868-C-A.
Other names: c.31G>T, p.Glu11Ter (NM_153675.3); short protein forms E17*, E11*.
Identifiers: ClinVar variation 1899578 (VCV001899578.5), dbSNP rs368038185, ClinGen allele CA408503354.